The following is an entry in ClinVar:

NM_004970.3(IGFALS):c.218C>T (p.Pro73Leu)

Gene: IGFALS (insulin like growth factor binding protein acid labile subunit; minus strand). Cytogenetic location: 16p13.3.
Variant type: single nucleotide variant.
Coding change: c.218C>T on transcript NM_004970.3 (MANE Select); coding-DNA position 218, C replaced by T.
Protein change: p.Pro73Leu; replaces proline 73 with leucine.
Molecular consequence: missense variant. On other transcripts: non-coding transcript variant (1).
Genome position (GRCh38, 1-based): chr16:1,792,200, G>A on the plus strand (C>T on the coding strand, the complement: IGFALS is on the minus strand). VCF-style: chr16-1792200-G-A. GRCh37 (hg19) VCF-style: chr16-1842201-G-A.
Other names: c.332C>T, p.Pro111Leu (NM_001146006.2); short protein forms P111L, P73L.
Identifiers: ClinVar variation 3907274 (VCV003907274.2).

ClinVar aggregate classification (germline): Conflicting classifications of pathogenicity. Review status: criteria provided, conflicting classifications (1 of 4 stars). 2 submissions from 2 submitters: Pathogenic (1); Uncertain significance (1). Last evaluated 2025-06-09.

Conditions:
IGFALS-related disorder. Also called: IGFALS-related condition.

gnomAD v4.1: 36 of 1,610,272 alleles (0.0022%); highest among the groups gnomAD compares: South Asian, 0.011%; no homozygotes.

Submissions (2):

Women's Health and Genetics/Laboratory Corporation of America, LabCorp
Classification: Uncertain significance. Last evaluated: 2025-06-09. Review status: criteria provided, single submitter. Criteria: LabCorp Variant Classification Summary - May 2015. Collection method: clinical testing. Allele origin: germline.
Comment: Variant summary: IGFALS c.218C>T (p.Pro73Leu) results in a non-conservative amino acid change in the encoded protein sequence. Algorithms developed to predict the effect of missense changes on protein structure and function all suggest that this variant is likely to be disruptive. The variant allele was found at a frequency of 3.4e-05 in 237722 control chromosomes. c.218C>T has been observed in a homozygous individual affected with Short Stature Due To Primary Acid-Labile Subunit Deficiency (David_2010). These data indicate that the variant may be associated with disease. To our knowledge, no experimental evidence demonstrating an impact on protein function has been reported. The following publications have been ascertained in the context of this evaluation (PMID: 20389102). No submitters have cited clinical-significance assessments for this variant to ClinVar. Based on the evidence outlined above, the variant was classified as VUS-possibly pathogenic.

Blueprint Genetics
Classification: Pathogenic for IGFALS-related disorders. Last evaluated: 2023-04-21. Review status: criteria provided, single submitter. Criteria: ACMG Guidelines, 2015. Collection method: clinical testing. Allele origin: germline. Affected: yes. Observed: 3 variant alleles.

Literature cited by the submitters: PubMed 20389102 (cited by Women's Health and Genetics/Laboratory Corporation of America, LabCorp); PubMed 22991227 (cited by Women's Health and Genetics/Laboratory Corporation of America, LabCorp).